The following is an entry in ClinVar:

ClinVar aggregate classification (germline): Pathogenic. Review status: criteria provided, multiple submitters, no conflicts (2 of 4 stars). 2 submissions from 2 submitters: Pathogenic (2). Last evaluated 2023-02-27.

Conditions:
Microcephaly 17, primary, autosomal recessive (MCPH17). Identifiers: Orphanet 2512, MedGen C4310723, MONDO:0014908, OMIM 617090.

Allele frequency attached by ClinVar (database versions not stated): gnomAD 0.00002; TOPMed 0.00005.
gnomAD v4.1: 39 of 1,606,316 alleles (0.0024%); highest among the groups gnomAD compares: Middle Eastern, 0.017%; no homozygotes.

Submissions (2):

Genetics Laboratory, UDIAT-Centre Diagnòstic, Hospital Universitari Parc Tauli
Classification: Pathogenic for microcephaly 17, primary, autosomal recessive. Last evaluated: 2023-02-27. Review status: criteria provided, single submitter. Criteria: ACMG Guidelines, 2015. Collection method: clinical testing. Allele origin: unknown. Inheritance: Autosomal dominant inheritance. Affected: yes.
Comment: PVS1_very strong;PS4_supporting;PM2_supporting

CeGaT Center for Human Genetics Tuebingen
Classification: Pathogenic. Last evaluated: 2019-10-01. Review status: criteria provided, single submitter. Criteria: CeGaT Center For Human Genetics Tuebingen Variant Classification Criteria Version 2. Collection method: clinical testing. Allele origin: germline. Affected: yes. Observed: 1 variant allele.

NM_001206999.2(CIT):c.658C>T (p.Arg220Ter)

Gene: CIT (citron rho-interacting serine/threonine kinase; minus strand). Cytogenetic location: 12q24.23.
Variant type: single nucleotide variant.
Coding change: c.658C>T on transcript NM_001206999.2 (MANE Select); coding-DNA position 658, C replaced by T.
Protein change: p.Arg220Ter; replaces arginine 220 with a stop codon.
Molecular consequence: nonsense.
Genome position (GRCh38, 1-based): chr12:119,834,087, G>A on the plus strand (C>T on the coding strand, the complement: CIT is on the minus strand). VCF-style: chr12-119834087-G-A. GRCh37 (hg19) VCF-style: chr12-120271891-G-A.
Other names: c.658C>T, p.Arg220Ter (NM_007174.3); short protein forms R220*.
Identifiers: ClinVar variation 871735 (VCV000871735.42), dbSNP rs202076791, ClinGen allele CA6822345.
Genomic context (GRCh38, chr12:119,834,087, plus strand): 5'-AACTCTTATGCGACACAGGAAAATCCTCAGCATAAAAATGCTACCAGAGTCTCACTTACC[G>A]ATGCACGTATCCCATCAGATGAACGCTGTGAACAGCCAAAATCAGCTCAGCTAGGTAAAA-3'